The following is an entry in ClinVar:

NM_001376.5(DYNC1H1):c.7655T>A (p.Val2552Glu)

Gene: DYNC1H1 (dynein cytoplasmic 1 heavy chain 1; plus strand). Cytogenetic location: 14q32.31.
Variant type: single nucleotide variant.
Coding change: c.7655T>A on transcript NM_001376.5 (MANE Select); coding-DNA position 7655, T replaced by A.
Protein change: p.Val2552Glu; replaces valine 2552 with glutamic acid.
Molecular consequence: missense variant.
Genome position (GRCh38, 1-based): chr14:102,016,806, T>A. VCF-style: chr14-102016806-T-A. GRCh37 (hg19) VCF-style: chr14-102483143-T-A.
Other names: short protein forms V2552E.
Identifiers: ClinVar variation 2579315 (VCV002579315.1), dbSNP rs1595617656, ClinGen allele CA391002625.

ClinVar aggregate classification (germline): Uncertain significance (1 of 4 stars; one submission).

Submission:

GeneDx
Classification: Uncertain significance. Last evaluated: 2023-09-05. Review status: criteria provided, single submitter. Criteria: GeneDx Variant Classification Process June 2021. Collection method: clinical testing. Allele origin: germline. Affected: yes.
Comment: Has not been previously published as pathogenic or benign to our knowledge; Not observed at significant frequency in large population cohorts (gnomAD); In silico analysis supports that this missense variant has a deleterious effect on protein structure/function